The following is an entry in ClinVar:

ClinVar aggregate classification (germline): Conflicting classifications of pathogenicity. Review status: criteria provided, conflicting classifications (1 of 4 stars). 4 submissions from 4 submitters: Uncertain significance (1); Likely benign (2). 1 of the submissions does not count toward it. Last evaluated 2025-09-20.

Conditions:
PKHD1-related disorder. Also called: PKHD1-related condition.
Polycystic kidney disease 4 (PKD4). Also called: POLYCYSTIC KIDNEY DISEASE 4 WITH OR WITHOUT POLYCYSTIC LIVER DISEASE; PKD3; Autosomal Recessive Polycystic Kidney Disease – PKHD1; POLYCYSTIC KIDNEY AND HEPATIC DISEASE 1; POLYCYSTIC KIDNEY DISEASE, INFANTILE, TYPE I. Identifiers: MedGen C4540575, MONDO:0033004, OMIM 263200.
Autosomal recessive polycystic kidney disease (ARPKD). Also called: AR polycystic kidney disease. Identifiers: Orphanet 731, Orphanet 8378, MedGen C0085548, MeSH D017044, MONDO:0009889.

Allele frequency attached by ClinVar (database versions not stated): gnomAD exomes below 0.00001; ExAC 0.00001; gnomAD 0.00001; TOPMed 0.00002.
gnomAD v4.1: 19 of 1,606,650 alleles (0.0012%); highest among the groups gnomAD compares: Middle Eastern, 0.016%; no homozygotes.

Submissions (4):

Labcorp Genetics (formerly Invitae), Labcorp
Classification: Likely benign for Autosomal recessive polycystic kidney disease. Last evaluated: 2025-09-20. Review status: criteria provided, single submitter. Criteria: Invitae Variant Classification Sherloc (09022015). Collection method: clinical testing. Allele origin: germline.

Department of Pathology and Laboratory Medicine, Sinai Health System
Classification: Likely benign for Polycystic kidney disease 4. Last evaluated: 2021-11-18. Review status: criteria provided, single submitter. Criteria: ACMG Guidelines, 2015. Collection method: clinical testing. Allele origin: germline. Affected: yes.

Eurofins Ntd Llc (ga)
Classification: Uncertain significance. Last evaluated: 2016-08-24. Review status: criteria provided, single submitter. Criteria: EGL Classification Definitions 2015. Collection method: clinical testing. Allele origin: germline. Observed: 1 variant allele, 1 heterozygote.

PreventionGenetics, part of Exact Sciences
Classification: Likely benign for PKHD1-related condition. Last evaluated: 2023-08-23. Review status: no assertion criteria provided. Collection method: clinical testing. Allele origin: germline. Not counted in ClinVar's aggregate classification.
Comment: This variant is classified as likely benign based on ACMG/AMP sequence variant interpretation guidelines (Richards et al. 2015 PMID: 25741868, with internal and published modifications).

NM_138694.4(PKHD1):c.642G>A (p.Gln214=)

Gene: PKHD1 (PKHD1 ciliary IPT domain containing fibrocystin/polyductin; minus strand). Cytogenetic location: 6p12.2.
Variant type: single nucleotide variant.
Coding change: c.642G>A on transcript NM_138694.4 (MANE Select); coding-DNA position 642, G replaced by A.
Protein change: p.Gln214=; no amino-acid change (glutamine 214 retained).
Molecular consequence: synonymous variant.
Genome position (GRCh38, 1-based): chr6:52,071,031, C>T on the plus strand (G>A on the coding strand, the complement: PKHD1 is on the minus strand). VCF-style: chr6-52071031-C-T. GRCh37 (hg19) VCF-style: chr6-51935829-C-T.
Other names: c.642G>A, p.Gln214= (NM_170724.3); c.642G>A (NM_138694.3).
Identifiers: ClinVar variation 290945 (VCV000290945.16), dbSNP rs762584715, ClinGen allele CA3853837.